The following is an entry in ClinVar:

NM_005060.4(RORC):c.517C>T (p.Pro173Ser)

Gene: RORC (RAR related orphan receptor C; minus strand). Cytogenetic location: 1q21.3.
Variant type: single nucleotide variant.
Coding change: c.517C>T on transcript NM_005060.4 (MANE Select); coding-DNA position 517, C replaced by T.
Protein change: p.Pro173Ser; replaces proline 173 with serine.
Molecular consequence: missense variant.
Genome position (GRCh38, 1-based): chr1:151,815,207, G>A on the plus strand (C>T on the coding strand, the complement: RORC is on the minus strand). VCF-style: chr1-151815207-G-A. GRCh37 (hg19) VCF-style: chr1-151787683-G-A.
Other names: c.454C>T, p.Pro152Ser (NM_001001523.2); short protein forms P152S, P173S.
Identifiers: ClinVar variation 2090452 (VCV002090452.1), dbSNP rs1651710774, ClinGen allele CA342016814.

ClinVar aggregate classification (germline): Uncertain significance (1 of 4 stars; one submission).

Conditions:
Autosomal recessive mendelian susceptibility to mycobacterial diseases due to complete RORgamma receptor deficiency. Also called: Immunodeficiency 42. Identifiers: Orphanet 477857, MedGen C5567647, MONDO:0014710, OMIM 616622.

Allele frequency attached by ClinVar (database versions not stated): TOPMed below 0.00001; gnomAD exomes 0.00001.
gnomAD v4.1: 7 of 1,613,920 alleles (0.00043%); highest among the groups gnomAD compares: Non-Finnish European, 0.00059%; no homozygotes.

Submission:

Labcorp Genetics (formerly Invitae), Labcorp
Classification: Uncertain significance for Autosomal recessive mendelian susceptibility to mycobacterial diseases due to complete RORgamma receptor deficiency. Last evaluated: 2022-01-27. Review status: criteria provided, single submitter. Criteria: Invitae Variant Classification Sherloc (09022015). Collection method: clinical testing. Allele origin: germline.
Comment: This sequence change replaces proline, which is neutral and non-polar, with serine, which is neutral and polar, at codon 173 of the RORC protein (p.Pro173Ser). This variant is not present in population databases (gnomAD no frequency). This variant has not been reported in the literature in individuals affected with RORC-related conditions. Algorithms developed to predict the effect of missense changes on protein structure and function (SIFT, PolyPhen-2, Align-GVGD) all suggest that this variant is likely to be tolerated. In summary, the available evidence is currently insufficient to determine the role of this variant in disease. Therefore, it has been classified as a Variant of Uncertain Significance.